The following is an entry in ClinVar:

NM_031935.3(HMCN1):c.8559G>T (p.Glu2853Asp)

Gene: HMCN1 (hemicentin 1; plus strand). Cytogenetic location: 1q31.1.
Variant type: single nucleotide variant.
Coding change: c.8559G>T on transcript NM_031935.3 (MANE Select); coding-DNA position 8559, G replaced by T.
Protein change: p.Glu2853Asp; replaces glutamic acid 2853 with aspartic acid.
Molecular consequence: missense variant.
Genome position (GRCh38, 1-based): chr1:186,078,180, G>T. VCF-style: chr1-186078180-G-T. GRCh37 (hg19) VCF-style: chr1-186047312-G-T.
Other names: short protein forms E2853D.
Identifiers: ClinVar variation 2847597 (VCV002847597.3), dbSNP rs1658944087, ClinGen allele CA343913755.
Genomic context (GRCh38, chr1:186,078,180, plus strand): 5'-GCAGATTCCTCGGGCTAAAGTAGAAGATGCTGGGAGATACACATGTGTGGCTGTGAATGA[G>T]GCTGGAGAAGATTCCCTTCAATATGATGTCCGTGTACTCGGTGAGTTTTTCTTTTGTTTA-3'
Protein context (NP_114141.2, residues 2843-2863): AGRYTCVAVN[Glu2853Asp]AGEDSLQYDV

ClinVar aggregate classification (germline): Uncertain significance (1 of 4 stars; one submission).

gnomAD v4.1: 1 of 1,613,678 alleles (0.000062%); no homozygotes.

Submission:

Labcorp Genetics (formerly Invitae), Labcorp
Classification: Uncertain significance. Last evaluated: 2023-03-19. Review status: criteria provided, single submitter. Criteria: Invitae Variant Classification Sherloc (09022015). Collection method: clinical testing. Allele origin: germline.
Comment: This sequence change replaces glutamic acid, which is acidic and polar, with aspartic acid, which is acidic and polar, at codon 2853 of the HMCN1 protein (p.Glu2853Asp). This variant is not present in population databases (gnomAD no frequency). This variant has not been reported in the literature in individuals affected with HMCN1-related conditions. An algorithm developed to predict the effect of missense changes on protein structure and function (PolyPhen-2) suggests that this variant is likely to be disruptive. In summary, the available evidence is currently insufficient to determine the role of this variant in disease. Therefore, it has been classified as a Variant of Uncertain Significance.